The following is an entry in ClinVar:

ClinVar aggregate classification (germline): Uncertain significance. Review status: criteria provided, single submitter (1 of 4 stars). 2 submissions from 2 submitters: Uncertain significance (1). 1 of the submissions does not count toward it. Last evaluated 2023-08-08.

Conditions:
BLTP1-related disorder. Also called: BLTP1-related condition.

Allele frequency attached by ClinVar (database versions not stated): gnomAD 0.00005; TOPMed 0.00005; ESP Exome Variant Server 0.00008.
gnomAD v4.1: 22 of 1,613,756 alleles (0.0014%); highest among the groups gnomAD compares: African/African-American, 0.004%; no homozygotes.

Submissions (2):

Ambry Genetics
Classification: Uncertain significance. Last evaluated: 2023-08-08. Review status: criteria provided, single submitter. Criteria: Ambry Variant Classification Scheme 2023. Collection method: clinical testing. Allele origin: germline.

PreventionGenetics, part of Exact Sciences
Classification: Uncertain significance for BLTP1-related condition. Last evaluated: 2024-01-13. Review status: no assertion criteria provided. Collection method: clinical testing. Allele origin: germline. Not counted in ClinVar's aggregate classification.
Comment: The BLTP1 c.7613C>A variant is predicted to result in the amino acid substitution p.Ala2538Asp. To our knowledge, this variant has not been reported in the literature. This variant is reported in 0.0041% of alleles in individuals of African descent in gnomAD. At this time, the clinical significance of this variant is uncertain due to the absence of conclusive functional and genetic evidence.

NM_001384125.1(BLTP1):c.7613C>A (p.Ala2538Asp)

Gene: BLTP1 (bridge-like lipid transfer protein family member 1; plus strand). Cytogenetic location: 4q27.
Variant type: single nucleotide variant.
Coding change: c.7613C>A on transcript NM_001384125.1 (MANE Select); coding-DNA position 7613, C replaced by A.
Protein change: p.Ala2538Asp; replaces alanine 2538 with aspartic acid.
Molecular consequence: missense variant.
Genome position (GRCh38, 1-based): chr4:122,271,137, C>A. VCF-style: chr4-122271137-C-A. GRCh37 (hg19) VCF-style: chr4-123192292-C-A.
Other names: c.7613C>A, p.Ala2538Asp (NM_015312.4); short protein forms A2538D.
Identifiers: ClinVar variation 2616854 (VCV002616854.4), dbSNP rs368105993, ClinGen allele CA104778664.